The following is an entry in ClinVar:

ClinVar aggregate classification (germline): Pathogenic (1 of 4 stars; one submission).

Conditions:
Kleefstra syndrome 1 (KLEFS1). Identifiers: Orphanet 261494, MedGen C0795833, MONDO:0027407, OMIM 610253.

Submission:

Women's Health and Genetics/Laboratory Corporation of America, LabCorp
Classification: Pathogenic for Kleefstra syndrome 1. Last evaluated: 2025-12-11. Review status: criteria provided, single submitter. Criteria: LabCorp Variant Classification Summary - May 2015. Collection method: clinical testing. Allele origin: germline.
Comment: Variant summary: EHMT1 c.1430_1431dupCA (p.Gly478GlnfsX86) results in a premature termination codon, predicted to cause absence of the protein due to nonsense mediated decay, which is a commonly known mechanism for disease. The variant was absent in 251476 control chromosomes. To our knowledge, no occurrence of c.1430_1431dupCA in individuals affected with EHMT1-related conditions and no experimental evidence demonstrating its impact on protein function have been reported. No submitters have cited clinical-significance assessments for this variant to ClinVar. Based on the evidence outlined above, the variant was classified as pathogenic.

NM_024757.5(EHMT1):c.1430_1431dup (p.Gly478fs)

Gene: EHMT1 (euchromatic histone lysine methyltransferase 1; plus strand). Cytogenetic location: 9q34.3.
Variant type: Microsatellite.
Coding change: c.1430_1431dup on transcript NM_024757.5 (MANE Select); coding-DNA positions 1430 to 1431, 2 bases duplicated (CA; older notation c.1430_1431dupCA).
Protein change: p.Gly478fs; shifts the reading frame from glycine 478.
Molecular consequence: frameshift variant.
Genome position (GRCh38, 1-based): chr9:137,757,940-137,757,941, CA duplicated; duplicating any 2 consecutive bases within chr9:137,757,938-137,757,941 gives the same sequence; the c. name uses the placement nearest the transcript's 3' end. VCF-style (leftmost placement, unchanged base first): chr9-137757937-G-GCA. GRCh37 (hg19) VCF-style: chr9-140652389-G-GCA.
Other names: c.1430_1431dup, p.Gly478fs (NM_001145527.2, NM_001354611.2); c.1337_1338dup, p.Gly447fs (NM_001354259.2, NM_001354612.2); c.1409_1410dup, p.Gly471fs (NM_001354263.2); c.1430_1431dupCA (NM_024757.5); short protein forms G447fs, G471fs, G478fs.
Identifiers: ClinVar variation 4688379 (VCV004688379.1).